The following is an entry in ClinVar:

NM_000138.5(FBN1):c.3340A>G (p.Ile1114Val)

Gene: FBN1 (fibrillin 1; minus strand). Cytogenetic location: 15q21.1.
Variant type: single nucleotide variant.
Coding change: c.3340A>G on transcript NM_000138.5 (MANE Select); coding-DNA position 3340, A replaced by G.
Protein change: p.Ile1114Val; replaces isoleucine 1114 with valine.
Molecular consequence: missense variant.
Genome position (GRCh38, 1-based): chr15:48,487,435, T>C on the plus strand (A>G on the coding strand, the complement: FBN1 is on the minus strand). VCF-style: chr15-48487435-T-C. GRCh37 (hg19) VCF-style: chr15-48779632-T-C.
Other names: short protein forms I1114V.
Identifiers: ClinVar variation 923663 (VCV000923663.5), dbSNP rs1006702602, ClinGen allele CA269531276.

ClinVar aggregate classification (germline): Conflicting classifications of pathogenicity. Review status: criteria provided, conflicting classifications (1 of 4 stars). 2 submissions from 2 submitters: Uncertain significance (1); Likely benign (1). Last evaluated 2025-03-03.

Conditions:
Marfan syndrome (MFS). Also called: Marfan syndrome, classic; Marfan syndrome type 1; Marfan's syndrome; FBN1-Related Marfan Syndrome; MARFAN SYNDROME, TYPE I. Identifiers: Orphanet 284963, Orphanet 558, MedGen C0024796, MONDO:0007947, OMIM 154700.
Familial thoracic aortic aneurysm and aortic dissection (TAAD). Also called: Thoracic aortic aneurysms and dissections. Identifiers: Orphanet 91387, MedGen C4707243, MONDO:0019625.

Allele frequency attached by ClinVar (database versions not stated): gnomAD exomes below 0.00001 and 0.00001; TOPMed 0.00002; gnomAD 0.00002 and 0.00001.
gnomAD v4.1: 10 of 1,613,840 alleles (0.00062%); highest among the groups gnomAD compares: Non-Finnish European, 0.00025%; no homozygotes.

Submissions (2):

Color Diagnostics, LLC DBA Color Health
Classification: Likely benign for Familial thoracic aortic aneurysm and aortic dissection. Last evaluated: 2025-03-03. Review status: criteria provided, single submitter. Criteria: ACMG Guidelines, 2015. Collection method: clinical testing. Allele origin: germline.

All of Us Research Program, National Institutes of Health
Classification: Uncertain significance for Marfan syndrome. Last evaluated: 2023-11-20. Review status: criteria provided, single submitter. Criteria: ACMG Guidelines, 2015. Collection method: clinical testing. Allele origin: germline. Inheritance: Autosomal dominant inheritance. Observed: 4 variant alleles, 4 heterozygotes.
Comment: This missense variant replaces isoleucine with valine at codon 1114 of the FBN1 protein. Computational prediction suggests that this variant may not impact protein structure and function (internally defined REVEL score threshold <= 0.5, PMID: 27666373). To our knowledge, functional studies have not been reported for this variant. This variant has not been reported in individuals affected with FBN1-related disorders in the literature. This variant has been identified in 3/251260 chromosomes in the general population by the Genome Aggregation Database (gnomAD). The available evidence is insufficient to determine the role of this variant in disease conclusively. Therefore, this variant is classified as a Variant of Uncertain Significance.

This study involves interpretation of variants in research participants for the purpose of population health screening. Participant phenotype was not available at the time of variant classification. Additional details can be found in publication PMID: 35346344, PMCID: PMC8962531